The following is an entry in ClinVar:

ClinVar aggregate classification (germline): Pathogenic/Likely pathogenic. Review status: criteria provided, multiple submitters, no conflicts (2 of 4 stars). 5 submissions from 4 submitters: Pathogenic (4); Likely pathogenic (1). Last evaluated 2024-10-04.

Conditions:
Bardet-Biedl syndrome 14 (BBS14). Identifiers: Orphanet 110, MedGen C2673874, MONDO:0014442, OMIM 615991.
Leber congenital amaurosis 10 (LCA10). Identifiers: Orphanet 65, MedGen C1857821, MONDO:0012723, OMIM 611755.
Meckel syndrome, type 4 (MKS4). Also called: MECKEL-GRUBER SYNDROME, TYPE 4. Identifiers: Orphanet 564, MedGen C1970161, MONDO:0012626, OMIM 611134.
Senior-Loken syndrome 6 (SLSN6). Identifiers: Orphanet 3156, MedGen C1857779, MONDO:0012433, OMIM 610189.
Joubert syndrome 5 (JBTS5). Identifiers: Orphanet 2318, MedGen C1857780, MONDO:0012432, OMIM 610188.
CEP290-related ciliopathy. Also called: CEP290 ciliopathy. Identifiers: MedGen CN305601, MONDO:0100451.

Submissions (5):

Dubai Health Genomic Medicine Center, Dubai Health
Classification: Pathogenic for Leber congenital amaurosis 10. Last evaluated: 2024-10-04. Review status: criteria provided, single submitter. Criteria: ACMG Guidelines, 2015. Collection method: research. Allele origin: germline. Affected: yes.
Comment: PVS1,PM2,PM3

3billion
Classification: Pathogenic for Joubert syndrome 5. Last evaluated: 2023-10-23. Review status: criteria provided, single submitter. Criteria: ACMG Guidelines, 2015. Collection method: clinical testing. Allele origin: germline. Affected: yes.
Comment: The variant is not observed in the gnomAD v2.1.1 dataset. Predicted Consequence/Location: Frameshift: predicted to result in a loss or disruption of normal protein function through nonsense-mediated decay (NMD) or protein truncation. Multiple pathogenic variants are reported downstream of the variant. The variant has been reported at least twice as pathogenic without evidence for the classification (ClinVar ID: VCV000635087 /PMID: 17564967). Therefore, this variant is classified as Pathogenic according to the recommendation of ACMG/AMP guideline.

Broad Center for Mendelian Genomics, Broad Institute of MIT and Harvard
Classification: Pathogenic for CEP290-related ciliopathy. Last evaluated: 2023-01-25. Review status: criteria provided, single submitter. Criteria: ACMG Guidelines, 2015. Collection method: curation. Allele origin: germline. Inheritance: Autosomal recessive inheritance.
Comment: The p.Lys1598SerfsTer8 variant in CEP290 has been previously reported in one individual with Joubert syndrome 5 (PMID: 17564967). This affected individual (PMID: 17564967) and the individual identified by our study were homozygotes, which increases the likelihood that the p.Lys1598SerfsTer8 variant in CEP290 is pathogenic. This variant has also been reported in ClinVar (Variation ID: 635087) and has been interpreted as likely pathogenic by the Broad Rare Disease Group. This variant was absent from large population studies. This variant is predicted to cause a frameshift, which alters the protein‚Äôs amino acid sequence beginning at position 1598 and leads to a premature termination codon 8 amino acids downstream. This alteration is then predicted to lead to a truncated or absent protein. Loss of function of the CEP290 gene is an established disease mechanism of autosomal recessive Joubert syndrome 5. In summary, this variant meets criteria to be classified as pathogenic for autosomal recessive Joubert syndrome 5. ACMG/AMP Criteria applied: PVS1, PM2_Supporting, PM3 (Richards 2015).

Fulgent Genetics
Classification: Pathogenic for Joubert syndrome 5; Senior-Loken syndrome 6; Meckel syndrome, type 4; Leber congenital amaurosis 10; Bardet-Biedl syndrome 14. Last evaluated: 2021-08-23. Review status: criteria provided, single submitter. Criteria: ACMG Guidelines, 2015. Collection method: clinical testing. Allele origin: unknown.

Broad Center for Mendelian Genomics, Broad Institute of MIT and Harvard
Classification: Likely pathogenic for Joubert syndrome 5. Last evaluated: 2018-06-15. Review status: criteria provided, single submitter. Criteria: ACMG Guidelines, 2015. Collection method: research. Allele origin: germline. Inheritance: Autosomal recessive inheritance. Affected: yes.
Comment: This variant was absent from large population studies. Loss of function of the CEP290 gene is an established disease mechanism in autosomal recessive Joubert syndrome, and this is a loss of function variant. In summary, although additional studies are required to fully establish its pathogenicity, this variant is likely pathogenic.

Literature cited by the submitters: PubMed 17564967 (cited by 3billion).

NM_025114.4(CEP290):c.4792_4795del (p.Lys1598fs)

Gene: CEP290 (centrosomal protein 290; minus strand). Cytogenetic location: 12q21.32.
Variant type: Microsatellite.
Coding change: c.4792_4795del on transcript NM_025114.4 (MANE Select); coding-DNA positions 4792 to 4795, 4 bases deleted (AAAT; older notation c.4792_4795delAAAT).
Protein change: p.Lys1598fs; shifts the reading frame from lysine 1598.
Molecular consequence: frameshift variant.
Genome position (GRCh38, 1-based): chr12:88,083,864-88,083,867, ATTT deleted on the plus strand (AAAT on the coding strand, the reverse complement: CEP290 is on the minus strand); deleting any 4 consecutive bases within chr12:88,083,864-88,083,872 gives the same sequence; the c. name uses the placement nearest the transcript's 3' end. VCF-style (leftmost placement, unchanged base first): chr12-88083863-AATTT-A. GRCh37 (hg19) VCF-style: chr12-88477640-AATTT-A.
Other names: NM_025114.4(CEP290):c.4792_4795del; p.Lys1598fs; c.4792_4795del (NM_025114.3); short protein forms K1598fs.
Identifiers: ClinVar variation 635087 (VCV000635087.6), dbSNP rs1592833648, ClinGen allele CA658795143.
Genomic context (GRCh38, chr12:88,083,863, plus strand): 5'-CACAAAAATCAATAAAGAATGGAACAAAGTTCTTAGAATCTTACCCAAGCCGTTTGTTTG[AATTT>A]ATTTAGTGAACTATCAGCCTGTAGTTCTAATCTGTGATGAAGAATATGAAGGTCTTCCTC-3'